The following is an entry in ClinVar:

NM_000435.3(NOTCH3):c.6043A>G (p.Arg2015Gly)

Gene: NOTCH3 (notch receptor 3; minus strand). Cytogenetic location: 19p13.12.
Variant type: single nucleotide variant.
Coding change: c.6043A>G on transcript NM_000435.3 (MANE Select); coding-DNA position 6043, A replaced by G.
Protein change: p.Arg2015Gly; replaces arginine 2015 with glycine.
Molecular consequence: missense variant.
Genome position (GRCh38, 1-based): chr19:15,161,585, T>C on the plus strand (A>G on the coding strand, the complement: NOTCH3 is on the minus strand). VCF-style: chr19-15161585-T-C. GRCh37 (hg19) VCF-style: chr19-15272396-T-C.
Other names: short protein forms R2015G.
Identifiers: ClinVar variation 1487297 (VCV001487297.8), dbSNP rs2046644200, ClinGen allele CA404490702.

ClinVar aggregate classification (germline): Uncertain significance (1 of 4 stars; one submission).

Submission:

Labcorp Genetics (formerly Invitae), Labcorp
Classification: Uncertain significance. Last evaluated: 2021-12-02. Review status: criteria provided, single submitter. Criteria: Invitae Variant Classification Sherloc (09022015). Collection method: clinical testing. Allele origin: germline.
Comment: In summary, the available evidence is currently insufficient to determine the role of this variant in disease. Therefore, it has been classified as a Variant of Uncertain Significance. Advanced modeling of protein sequence and biophysical properties (such as structural, functional, and spatial information, amino acid conservation, physicochemical variation, residue mobility, and thermodynamic stability) performed at Invitae indicates that this missense variant is not expected to disrupt NOTCH3 protein function. This variant has not been reported in the literature in individuals affected with NOTCH3-related conditions. This variant is not present in population databases (gnomAD no frequency). This sequence change replaces arginine, which is basic and polar, with glycine, which is neutral and non-polar, at codon 2015 of the NOTCH3 protein (p.Arg2015Gly).